The following is an entry in ClinVar:

ClinVar aggregate classification (germline): Uncertain significance (1 of 4 stars; one submission).

Submission:

Center for Pediatric Genomic Medicine, Children's Mercy Hospital and Clinics
Classification: Uncertain significance. Last evaluated: 2016-07-12. Review status: criteria provided, single submitter. Criteria: ACMG Guidelines, 2015. Collection method: clinical testing. Allele origin: germline.
ClinVar note: Converted during submission from Uncertain Significance to Uncertain significance.

NM_003108.4(SOX11):c.429CGG[7] (p.Gly147_Gly148dup)

Gene: SOX11 (SRY-box transcription factor 11; plus strand). Cytogenetic location: 2p25.2.
Variant type: Microsatellite.
Coding change: c.429CGG[7] on transcript NM_003108.4 (MANE Select); seven copies in a row of the 3-base unit CGG starting at c.429; the reference has five copies in a row; two copies, 6 bases duplicated.
Protein change: p.Gly147_Gly148dup.
Molecular consequence: inframe insertion.
Genome position (GRCh38, 1-based): chr2:5,693,159-5,693,164, CGGCGG duplicated; duplicating any 6 consecutive bases within chr2:5,693,150-5,693,164 gives the same sequence; the position shown is the placement nearest the transcript's 3' end. VCF-style (leftmost placement, unchanged base first): chr2-5693149-C-CCGGCGG. GRCh37 (hg19) VCF-style: chr2-5833281-C-CCGGCGG.
Identifiers: ClinVar variation 376817 (VCV000376817.3), dbSNP rs749379484, ClinGen allele CA1517836.
Genomic context (GRCh38, chr2:5,693,149, plus strand): 5'-AGCCCAAAATGGACCCCTCGGCCAAGCCCAGCGCCAGCCAGAGCCCAGAGAAGAGCGCGG[C>CCGGCGG]CGGCGGCGGCGGCGGGAGCGCGGGCGGAGGCGCGGGCGGTGCCAAGACCTCCAAGGGCTC-3'